The following is an entry in ClinVar:

ClinVar aggregate classification (germline): Uncertain significance (1 of 4 stars; one submission).

Conditions:
Inborn genetic diseases. Identifiers: MedGen C0950123, MeSH D030342.

Submission:

Ambry Genetics
Classification: Uncertain significance for Inborn genetic diseases. Last evaluated: 2026-08-11. Review status: criteria provided, single submitter. Criteria: Ambry Variant Classification Scheme 2023. Collection method: clinical testing. Allele origin: germline.
Comment: The p.D1243N variant (also known as c.3727G>A), located in coding exon 14 of the FANCM gene, results from a G to A substitution at nucleotide position 3727. The aspartic acid at codon 1243 is replaced by asparagine, an amino acid with highly similar properties. This amino acid position is conserved. In addition, this alteration is predicted to be tolerated by in silico analysis. Based on the available evidence, the clinical significance of this variant remains unclear.

NM_020937.4(FANCM):c.3727G>A (p.Asp1243Asn)

Gene: FANCM (FA complementation group M; plus strand). Cytogenetic location: 14q21.2.
Variant type: single nucleotide variant.
Coding change: c.3727G>A on transcript NM_020937.4 (MANE Select); coding-DNA position 3727, G replaced by A.
Protein change: p.Asp1243Asn; replaces aspartic acid 1243 with asparagine.
Molecular consequence: missense variant.
Genome position (GRCh38, 1-based): chr14:45,176,481, G>A. VCF-style: chr14-45176481-G-A. GRCh37 (hg19) VCF-style: chr14-45645684-G-A.
Other names: c.3649G>A, p.Asp1217Asn (NM_001308133.2); short protein forms D1217N, D1243N.
Identifiers: ClinVar variation 5021491 (VCV005021491.1).